The following is an entry in ClinVar:

ClinVar aggregate classification (germline): Uncertain significance (1 of 4 stars; one submission).

Conditions:
Generalized juvenile polyposis/juvenile polyposis coli. Also called: Juvenile polyposis coli. Identifiers: Orphanet 329971, MedGen C1868081, MONDO:0008276.

Submission:

Labcorp Genetics (formerly Invitae), Labcorp
Classification: Uncertain significance for Juvenile polyposis syndrome. Last evaluated: 2019-11-19. Review status: criteria provided, single submitter. Criteria: Invitae Variant Classification Sherloc (09022015). Collection method: clinical testing. Allele origin: germline.
Comment: This variant results in a copy number gain of the genomic region encompassing the full coding sequence of the BMPR1A gene. The boundaries of this event are unknown as they extend beyond the assayed region for this gene and therefore may encompass additional genes. As the precise location of this event is unknown, it may be in tandem or it may be located elsewhere in the genome. This variant has not been reported in the literature in individuals with BMPR1A-related disease. In summary, the available evidence is currently insufficient to determine the role of this variant in disease. Therefore, it has been classified as a Variant of Uncertain Significance.

NC_000010.10:g.(?_88514773)_(88683486_?)dup

Genes: BMPR1A (bone morphogenetic protein receptor type 1A; plus strand), LOC130004245 (ATAC-STARR-seq lymphoblastoid silent region 2573; plus strand), LOC130004246 (ATAC-STARR-seq lymphoblastoid silent region 2574; plus strand), LOC130004247 (ATAC-STARR-seq lymphoblastoid active region 3697; plus strand). Cytogenetic location: 10q23.2.
Variant type: Duplication.
Identifiers: ClinVar variation 584287 (VCV000584287.2).